The following is an entry in ClinVar:

ClinVar aggregate classification (germline): Uncertain significance (1 of 4 stars; one submission).

Submission:

GeneDx
Classification: Uncertain significance. Last evaluated: 2022-06-16. Review status: criteria provided, single submitter. Criteria: GeneDx Variant Classification Process June 2021. Collection method: clinical testing. Allele origin: germline. Affected: yes.
Comment: Not observed at significant frequency in large population cohorts (gnomAD); In silico analysis supports that this missense variant does not alter protein structure/function; Has not been previously published as pathogenic or benign to our knowledge

NM_013275.6(ANKRD11):c.2008A>G (p.Lys670Glu)

Gene: ANKRD11 (ankyrin repeat domain containing 11; minus strand). Cytogenetic location: 16q24.3.
Variant type: single nucleotide variant.
Coding change: c.2008A>G on transcript NM_013275.6 (MANE Select); coding-DNA position 2008, A replaced by G.
Protein change: p.Lys670Glu; replaces lysine 670 with glutamic acid.
Molecular consequence: missense variant.
Genome position (GRCh38, 1-based): chr16:89,284,534, T>C on the plus strand (A>G on the coding strand, the complement: ANKRD11 is on the minus strand). VCF-style: chr16-89284534-T-C. GRCh37 (hg19) VCF-style: chr16-89350942-T-C.
Other names: c.2008A>G, p.Lys670Glu (NM_001256182.2, NM_001256183.2); short protein forms K670E.
Identifiers: ClinVar variation 1804405 (VCV001804405.1), dbSNP rs2544242849, ClinGen allele CA397163409.